The following is an entry in ClinVar:

ClinVar aggregate classification (germline): Benign. Review status: reviewed by expert panel (3 of 4 stars). 25 submissions from 24 submitters: Benign (1). 24 of the submissions do not count toward it. Last evaluated 2015-01-12.

Conditions:
Hereditary cancer-predisposing syndrome. Also called: Hereditary Cancer Syndrome; Hereditary neoplastic syndrome; Neoplastic Syndromes, Hereditary; Tumor predisposition. Identifiers: Orphanet 140162, MedGen C0027672, MeSH D009386, MONDO:0015356.
Malignant tumor of breast. Also called: Cancer breast; Malignant breast neoplasm. Identifiers: MedGen C0006142, MONDO:0007254. Disease mechanism: loss of function.
Breast-ovarian cancer, familial, susceptibility to, 1 (BROVCA1). Also called: BRCA1 Hereditary Breast and Ovarian Cancer; OVARIAN CANCER, SUSCEPTIBILITY TO. Identifiers: Orphanet 145, MedGen C2676676, MONDO:0011450, OMIM 604370. Disease mechanism: loss of function.
Familial cancer of breast. Also called: hereditary breast carcinoma; BREAST CANCER, FAMILIAL; Hereditary breast cancer. Identifiers: Orphanet 227535, MedGen C0346153, MONDO:0016419, OMIM 114480. Disease mechanism: loss of function.
Fanconi anemia, complementation group S (FANCS). Identifiers: MedGen C4554406, MONDO:0054748, OMIM 617883.
Pancreatic cancer, susceptibility to, 4. Identifiers: Orphanet 1333, MedGen C3280442, MONDO:0013685, OMIM 614320.
Hereditary breast ovarian cancer syndrome. Also called: BRCA1- and BRCA2-Associated Hereditary Breast and Ovarian Cancer; Hereditary breast and ovarian cancer syndrome; Hereditary breast and ovarian cancer syndrome (HBOC); Breast and ovarian cancer; Hereditary breast and/or ovarian cancer syndrome; Hereditary breast and ovarian cancer. Identifiers: Orphanet 145, MedGen C0677776, MeSH D061325, MONDO:0003582. Disease mechanism: loss of function.

Allele frequency attached by ClinVar (database versions not stated): gnomAD exomes 0.00028 and 0.00079; ExAC 0.00079; 1000 Genomes Project 0.00220; gnomAD 0.00019 and 0.00036; TOPMed 0.00050; 1000 Genomes Project 30x 0.00172.
gnomAD v4.1: 483 of 1,613,144 alleles (0.03%); highest among the groups gnomAD compares: East Asian, 0.87%; no homozygotes.

Submissions (25):

Evidence-based Network for the Interpretation of Germline Mutant Alleles (ENIGMA)
Classification: Benign for Breast-ovarian cancer, familial 1. Last evaluated: 2015-01-12. Review status: reviewed by expert panel. Criteria: ENIGMA BRCA1/2 Classification Criteria (2015). Collection method: curation. Allele origin: germline.
Comment: Class 1 not pathogenic based on frequency >1% in an outbred sampleset. Frequency 0.01224 (Asian), derived from 1000 genomes (2012-04-30).

Labcorp Genetics (formerly Invitae), Labcorp
Classification: Benign for Hereditary breast ovarian cancer syndrome. Last evaluated: 2026-02-03. Review status: criteria provided, single submitter. Criteria: Invitae Variant Classification Sherloc (09022015). Collection method: clinical testing. Allele origin: germline. Not counted in ClinVar's aggregate classification.

Mayo Clinic Laboratories, Mayo Clinic
Classification: Benign. Last evaluated: 2025-10-07. Review status: criteria provided, single submitter. Criteria: ACMG Guidelines, 2015. Collection method: clinical testing. Allele origin: germline. Observed: 4 variant alleles. Not counted in ClinVar's aggregate classification.
Comment: BA1, BP4, BP7

ARUP Laboratories, Molecular Genetics and Genomics, ARUP Laboratories
Classification: Benign. Last evaluated: 2025-07-03. Review status: criteria provided, single submitter. Criteria: ARUP Molecular Germline Variant Investigation Process 2024. Collection method: clinical testing. Allele origin: germline. Not counted in ClinVar's aggregate classification.

Center for Genomic Medicine, Rigshospitalet, Copenhagen University Hospital
Classification: Benign. Last evaluated: 2025-03-04. Review status: criteria provided, single submitter. Criteria: ACMG Guidelines, 2015. Collection method: clinical testing. Allele origin: germline. Not counted in ClinVar's aggregate classification.

Blueprint Genetics
Classification: Benign. Last evaluated: 2024-10-15. Review status: criteria provided, single submitter. Criteria: ACMG Guidelines, 2015. Collection method: clinical testing. Allele origin: germline. Not counted in ClinVar's aggregate classification.

Fulgent Genetics
Classification: Benign for Familial cancer of breast; Breast-ovarian cancer, familial, susceptibility to, 1; Pancreatic cancer, susceptibility to, 4; Fanconi anemia, complementation group S. Last evaluated: 2022-04-21. Review status: criteria provided, single submitter. Criteria: ACMG Guidelines, 2015. Collection method: clinical testing. Allele origin: unknown. Not counted in ClinVar's aggregate classification.

Sema4
Classification: Benign for Hereditary cancer-predisposing syndrome. Last evaluated: 2020-11-30. Review status: criteria provided, single submitter. Criteria: Sema4 Curation Guidelines. Collection method: curation. Allele origin: germline. Not counted in ClinVar's aggregate classification.

Mendelics
Classification: Benign for Breast-ovarian cancer, familial, susceptibility to, 1. Last evaluated: 2019-05-28. Review status: criteria provided, single submitter. Criteria: Mendelics Assertion Criteria 2017. Collection method: clinical testing. Allele origin: unknown. Not counted in ClinVar's aggregate classification.

Illumina Laboratory Services, Illumina
Classification: Likely benign for Breast-ovarian cancer, familial, susceptibility to, 1. Last evaluated: 2019-05-03. Review status: criteria provided, single submitter. Criteria: ICSL Variant Classification Criteria 13 December 2019. Collection method: clinical testing. Allele origin: germline. Not counted in ClinVar's aggregate classification.
Comment: This variant was observed as part of a predisposition screen in an ostensibly healthy population. A literature search was performed for the gene, cDNA change, and amino acid change (where applicable). Publications were found based on this search. The evidence from the literature, in combination with allele frequency data from public databases where available, was sufficient to determine this variant is unlikely to cause disease. Therefore, this variant is classified as likely benign.

Institute for Biomarker Research, Medical Diagnostic Laboratories, L.L.C.
Classification: Likely benign for Hereditary cancer-predisposing syndrome. Last evaluated: 2018-05-23. Review status: criteria provided, single submitter. Criteria: ACMG Guidelines, 2015. Collection method: clinical testing. Allele origin: germline. Not counted in ClinVar's aggregate classification.

Cancer Genetics and Genomics Laboratory, British Columbia Cancer Agency
Classification: Benign. Last evaluated: 2017-04-18. Review status: criteria provided, single submitter. Criteria: ACMG Guidelines, 2015. Collection method: clinical testing. Allele origin: germline. Study: The Canadian Open Genetics Repository (COGR). Not counted in ClinVar's aggregate classification.

Laboratory for Molecular Medicine, Mass General Brigham Personalized Medicine
Classification: Benign. Last evaluated: 2016-03-29. Review status: criteria provided, single submitter. Criteria: LMM Criteria. Collection method: clinical testing. Allele origin: germline. Not counted in ClinVar's aggregate classification.
Comment: Variant identified in a genome or exome case(s) and assessed due to predicted null impact of the variant or pathogenic assertions in the literature or databases. Disclaimer: This variant has not undergone full assessment. The following are preliminary notes: ExAC: 1.0% (84/8640) East Asian chromosomes; ClinVar: 3 labs classify as B/LB

Color Diagnostics, LLC DBA Color Health
Classification: Benign for Hereditary cancer-predisposing syndrome. Last evaluated: 2015-02-23. Review status: criteria provided, single submitter. Criteria: ACMG Guidelines, 2015. Collection method: clinical testing. Allele origin: germline. Not counted in ClinVar's aggregate classification.

Ambry Genetics
Classification: Benign for Hereditary cancer-predisposing syndrome. Last evaluated: 2014-11-18. Review status: criteria provided, single submitter. Criteria: Ambry Variant Classification Scheme 2023. Collection method: clinical testing. Allele origin: germline. Not counted in ClinVar's aggregate classification.

GeneDx
Classification: Benign. Last evaluated: 2013-11-25. Review status: criteria provided, single submitter. Criteria: GeneDx Variant Classification (06012015). Collection method: clinical testing. Allele origin: germline. Affected: yes. Not counted in ClinVar's aggregate classification.
Comment: This variant is considered likely benign or benign based on one or more of the following criteria: it is a conservative change, it occurs at a poorly conserved position in the protein, it is predicted to be benign by multiple in silico algorithms, and/or has population frequency not consistent with disease.

Department of Pathology and Laboratory Medicine, Sinai Health System
Classification: Benign for Familial cancer of breast; Breast-ovarian cancer, familial, susceptibility to, 1; Fanconi anemia, complementation group S. Last evaluated: 2012-06-05. Review status: criteria provided, single submitter. Criteria: ACMG Guidelines, 2015. Collection method: clinical testing. Allele origin: germline. Affected: yes. Not counted in ClinVar's aggregate classification.

BRCAlab, Lund University
Classification: Benign for Breast-ovarian cancer, familial, susceptibility to, 1. Last evaluated: 2020-03-02. Review status: no assertion criteria provided. Collection method: clinical testing. Allele origin: germline. Affected: yes. Not counted in ClinVar's aggregate classification.

Counsyl
Classification: Likely benign for Breast-ovarian cancer, familial 1. Last evaluated: 2015-01-15. Review status: no assertion criteria provided. Collection method: literature only. Allele origin: unknown. Inheritance: Autosomal dominant inheritance. Not counted in ClinVar's aggregate classification.

Breast Cancer Information Core (BIC) (BRCA1)
Classification: Uncertain significance for Breast-ovarian cancer, familial 1. Last evaluated: 2006-07-19. Review status: no assertion criteria provided. Collection method: clinical testing. Allele origin: germline. Affected: yes. Observed: 2 variant alleles. Not counted in ClinVar's aggregate classification.

Clinical Genetics Laboratory, Department of Pathology, Netherlands Cancer Institute
Classification: Likely benign. Review status: no assertion criteria provided. Collection method: clinical testing. Allele origin: germline. Affected: yes. Study: VKGL Data-share Consensus. Not counted in ClinVar's aggregate classification.

Department of Pathology and Laboratory Medicine, Sinai Health System
Classification: Benign for Malignant tumor of breast. Review status: no assertion criteria provided. Collection method: clinical testing. Allele origin: unknown. Affected: yes. Study: The Canadian Open Genetics Repository (COGR). Not counted in ClinVar's aggregate classification.

Genome Diagnostics Laboratory, University Medical Center Utrecht
Classification: Likely benign. Review status: no assertion criteria provided. Collection method: clinical testing. Allele origin: germline. Affected: yes. Study: VKGL Data-share Consensus. Not counted in ClinVar's aggregate classification.

Joint Genome Diagnostic Labs from Nijmegen and Maastricht, Radboudumc and MUMC+
Classification: Benign. Review status: no assertion criteria provided. Collection method: clinical testing. Allele origin: germline. Affected: yes. Study: VKGL Data-share Consensus. Not counted in ClinVar's aggregate classification.

Laboratory of Diagnostic Genome Analysis, Leiden University Medical Center (LUMC)
Classification: Benign. Review status: no assertion criteria provided. Collection method: clinical testing. Allele origin: germline. Affected: yes. Study: VKGL Data-share Consensus. Not counted in ClinVar's aggregate classification.

Literature cited by the submitters: PubMed 15168169 (cited by Illumina Laboratory Services, Illumina and Counsyl); PubMed 16835750 (cited by 3 submitters); PubMed 12624724 (cited by 3 submitters); PubMed 22505045 (cited by Illumina Laboratory Services, Illumina and Counsyl); PubMed 20104584 (cited by 3 submitters); PubMed 15365993 (cited by 3 submitters); PubMed 22486713 (cited by Illumina Laboratory Services, Illumina and Counsyl).

NM_007294.4(BRCA1):c.4484+14A>G

Gene: BRCA1 (BRCA1 DNA repair associated; minus strand). Cytogenetic location: 17q21.31.
Variant type: single nucleotide variant.
Coding change: c.4484+14A>G on transcript NM_007294.4 (MANE Select); 14 bases into the intron after coding-DNA position 4484, A replaced by G.
Molecular consequence: intron variant.
Genome position (GRCh38, 1-based): chr17:43,076,474, T>C on the plus strand (A>G on the coding strand, the complement: BRCA1 is on the minus strand). VCF-style: chr17-43076474-T-C. GRCh37 (hg19) VCF-style: chr17-41228491-T-C.
Other names: IVS14+14A>G; IVS 14+14A>G; p.?; c.836+14A>G (NM_001408508.1); c.962+14A>G (NM_001408491.1, NM_001408481.1, NM_001408490.1 and 5 more transcripts); c.4268+14A>G (NM_001407918.1, NM_001407915.1, NM_001407916.1 and 1 more transcripts); c.4271+14A>G (NM_001407894.1, NM_001407909.1, NM_001407906.1 and 12 more transcripts); c.4145+14A>G (NM_001407957.1, NM_001407958.1, NM_001407956.1); and 74 more.
Identifiers: ClinVar variation 55210 (VCV000055210.44), dbSNP rs80358022, ClinGen allele CA002871.
Genomic context (GRCh38, chr17:43,076,474, plus strand): 5'-AAAAATTAACAATCAGAGTTCAATATAAATAAAGATGTCAGATACCACAGCATCTTTACA[T>C]TGATGTTTCTTACCTTTCCACTCCTGGTTCTTTATTTTTACTGGTAGAACTATCTGCAGA-3'